The following is an entry in ClinVar:

ClinVar aggregate classification (germline): Uncertain significance (1 of 4 stars; one submission).

Conditions:
Gorlin syndrome. Also called: Nevoid Basal Cell Carcinoma Syndrome; Basal cell nevus syndrome. Identifiers: Orphanet 377, MedGen C0004779, MONDO:0007187.
Medulloblastoma (MDB). Also called: Medulloblastoma, somatic; MEDULLOBLASTOMA PREDISPOSITION SYNDROME. Identifiers: Orphanet 616, MedGen C0025149, MeSH D008527, MONDO:0007959, OMIM 155255, HP:0002885.

Submission:

Labcorp Genetics (formerly Invitae), Labcorp
Classification: Uncertain significance for Gorlin syndrome; Medulloblastoma. Last evaluated: 2025-08-05. Review status: criteria provided, single submitter. Criteria: Invitae Variant Classification Sherloc (09022015). Collection method: clinical testing. Allele origin: germline.
Comment: This sequence change falls in intron 7 of the SUFU gene. It does not directly change the encoded amino acid sequence of the SUFU protein. This variant is not present in population databases (gnomAD no frequency). This variant has not been reported in the literature in individuals affected with SUFU-related conditions. Algorithms developed to predict the effect of sequence changes on RNA splicing suggest that this variant may disrupt the consensus splice site. In summary, the available evidence is currently insufficient to determine the role of this variant in disease. Therefore, it has been classified as a Variant of Uncertain Significance.

NM_016169.4(SUFU):c.911-9T>A

Gene: SUFU (SUFU negative regulator of hedgehog signaling; plus strand). Cytogenetic location: 10q24.32.
Variant type: single nucleotide variant.
Coding change: c.911-9T>A on transcript NM_016169.4 (MANE Select); 9 bases into the intron before coding-DNA position 911, T replaced by A.
Molecular consequence: intron variant.
Genome position (GRCh38, 1-based): chr10:102,599,424, T>A. VCF-style: chr10-102599424-T-A. GRCh37 (hg19) VCF-style: chr10-104359181-T-A.
Other names: c.911-9T>A (NM_001178133.2).
Identifiers: ClinVar variation 4785541 (VCV004785541.1).
Genomic context (GRCh38, chr10:102,599,424, plus strand): 5'-TTTCAAGAGCGGGGTGAGAATTGCTGGGAGCCCACTGGGCCACTGGGCAACTTAGTGGTG[T>A]CGTTGCAGACACAGAGCAGATCCGGGAGACCCTGAGGAGAGGACTCGAGATCAACAGCAA-3'